The following is an entry in ClinVar:

ClinVar aggregate classification (germline): Benign/Likely benign. Review status: criteria provided, multiple submitters, no conflicts (2 of 4 stars). 2 submissions from 2 submitters: Benign (1); Likely benign (1). Last evaluated 2025-06-09.

Allele frequency attached by ClinVar (database versions not stated): ExAC 0.00007; gnomAD exomes 0.00011 and 0.00013; TOPMed 0.00011; gnomAD 0.00012 and 0.00013; ESP Exome Variant Server 0.00015.
gnomAD v4.1: 185 of 1,614,090 alleles (0.011%); highest among the groups gnomAD compares: Admixed American, 0.012%; no homozygotes.

Submissions (2):

Labcorp Genetics (formerly Invitae), Labcorp
Classification: Benign. Last evaluated: 2025-06-09. Review status: criteria provided, single submitter. Criteria: Invitae Variant Classification Sherloc (09022015). Collection method: clinical testing. Allele origin: germline.

CeGaT Center for Human Genetics Tuebingen
Classification: Likely benign. Last evaluated: 2024-10-01. Review status: criteria provided, single submitter. Criteria: CeGaT Center For Human Genetics Tuebingen Variant Classification Criteria Version 2. Collection method: clinical testing. Allele origin: germline. Affected: yes. Observed: 1 variant allele.
Comment: KMT2C: BS2

NM_170606.3(KMT2C):c.6836C>T (p.Pro2279Leu)

Gene: KMT2C (lysine methyltransferase 2C; minus strand). Cytogenetic location: 7q36.1.
Variant type: single nucleotide variant.
Coding change: c.6836C>T on transcript NM_170606.3 (MANE Select); coding-DNA position 6836, C replaced by T.
Protein change: p.Pro2279Leu; replaces proline 2279 with leucine.
Molecular consequence: missense variant.
Genome position (GRCh38, 1-based): chr7:152,181,024, G>A on the plus strand (C>T on the coding strand, the complement: KMT2C is on the minus strand). VCF-style: chr7-152181024-G-A. GRCh37 (hg19) VCF-style: chr7-151878109-G-A.
Other names: short protein forms P2279L.
Identifiers: ClinVar variation 1662870 (VCV001662870.22), dbSNP rs150844259, ClinGen allele CA4580004.